The following is an entry in ClinVar:

NM_004380.3(CREBBP):c.2324T>C (p.Met775Thr)

Gene: CREBBP (CREB binding lysine acetyltransferase; minus strand). Cytogenetic location: 16p13.3.
Variant type: single nucleotide variant.
Coding change: c.2324T>C on transcript NM_004380.3 (MANE Select); coding-DNA position 2324, T replaced by C.
Protein change: p.Met775Thr; replaces methionine 775 with threonine.
Molecular consequence: missense variant.
Genome position (GRCh38, 1-based): chr16:3,773,890, A>G on the plus strand (T>C on the coding strand, the complement: CREBBP is on the minus strand). VCF-style: chr16-3773890-A-G. GRCh37 (hg19) VCF-style: chr16-3823891-A-G.
Other names: c.2210T>C, p.Met737Thr (NM_001079846.1); short protein forms M737T, M775T.
Identifiers: ClinVar variation 4773795 (VCV004773795.1).
Genomic context (GRCh38, chr16:3,773,890, plus strand): 5'-GGCAGAAACTGGCTCTGAGCGGGCGCCTGGGCCATCATGTTGTTGGTGTGTGCACCCATC[A>G]TGTTCGGAGGCTGAGGCATTCGGGAAGGAGAAATGGCCATCTACGAGACAACAAGCACCA-3'
Protein context (NP_004371.2, residues 765-785): SPSRMPQPPN[Met775Thr]MGAHTNNMMA

ClinVar aggregate classification (germline): Uncertain significance (1 of 4 stars; one submission).

Conditions:
Rubinstein-Taybi syndrome (RSTS). Identifiers: Orphanet 783, MedGen C0035934, MONDO:0019188.

gnomAD v4.1: 3 of 1,612,162 alleles (0.00019%); highest among the groups gnomAD compares: African/African-American, 0.0013%; no homozygotes.

Submission:

Labcorp Genetics (formerly Invitae), Labcorp
Classification: Uncertain significance for Rubinstein-Taybi syndrome. Last evaluated: 2026-02-03. Review status: criteria provided, single submitter. Criteria: Invitae Variant Classification Sherloc (09022015). Collection method: clinical testing. Allele origin: germline.
Comment: This sequence change replaces methionine, which is neutral and non-polar, with threonine, which is neutral and polar, at codon 775 of the CREBBP protein (p.Met775Thr). The frequency data for this variant in the population databases is considered unreliable, as metrics indicate poor data quality at this position in the gnomAD database. This variant has not been reported in the literature in individuals affected with CREBBP-related conditions. Invitae Evidence Modeling of protein sequence and biophysical properties (such as structural, functional, and spatial information, amino acid conservation, physicochemical variation, residue mobility, and thermodynamic stability) indicates that this missense variant is not expected to disrupt CREBBP protein function with a negative predictive value of 95%. In summary, the available evidence is currently insufficient to determine the role of this variant in disease. Therefore, it has been classified as a Variant of Uncertain Significance.